The following is an entry in ClinVar:

NM_001447.3(FAT2):c.12214C>T (p.Arg4072Cys)

Genes: SLC36A1 (solute carrier family 36 member 1; plus strand), FAT2 (FAT atypical cadherin 2; minus strand). Cytogenetic location: 5q33.1.
Variant type: single nucleotide variant.
Coding change: c.12214C>T on transcript NM_001447.3 (MANE Select); coding-DNA position 12214, C replaced by T.
Protein change: p.Arg4072Cys; replaces arginine 4072 with cysteine.
Molecular consequence: missense variant.
Genome position (GRCh38, 1-based): chr5:151,507,457, G>A on the plus strand (C>T on the coding strand, the complement: FAT2 is on the minus strand). VCF-style: chr5-151507457-G-A. GRCh37 (hg19) VCF-style: chr5-150887018-G-A.
Other names: c.12214C>T (NM_001447.2); short protein forms R4072C.
Identifiers: ClinVar variation 2173667 (VCV002173667.5), dbSNP rs199556909, ClinGen allele CA3519821.

ClinVar aggregate classification (germline): Uncertain significance. Review status: criteria provided, multiple submitters, no conflicts (2 of 4 stars). 2 submissions from 2 submitters: Uncertain significance (2). Last evaluated 2025-08-29.

Allele frequency attached by ClinVar (database versions not stated): gnomAD exomes 0.00003; ExAC 0.00004.
gnomAD v4.1: 41 of 1,614,030 alleles (0.0025%); highest among the groups gnomAD compares: Admixed American, 0.03%; no homozygotes.

Submissions (2):

Ambry Genetics
Classification: Uncertain significance. Last evaluated: 2025-08-29. Review status: criteria provided, single submitter. Criteria: Ambry Variant Classification Scheme 2023. Collection method: clinical testing. Allele origin: germline.

Labcorp Genetics (formerly Invitae), Labcorp
Classification: Uncertain significance. Last evaluated: 2024-06-03. Review status: criteria provided, single submitter. Criteria: Invitae Variant Classification Sherloc (09022015). Collection method: clinical testing. Allele origin: germline.
Comment: This sequence change replaces arginine, which is basic and polar, with cysteine, which is neutral and slightly polar, at codon 4072 of the FAT2 protein (p.Arg4072Cys). This variant is present in population databases (rs199556909, gnomAD 0.04%). This variant has not been reported in the literature in individuals affected with FAT2-related conditions. ClinVar contains an entry for this variant (Variation ID: 2173667). An algorithm developed to predict the effect of missense changes on protein structure and function (PolyPhen-2) suggests that this variant is likely to be disruptive. In summary, the available evidence is currently insufficient to determine the role of this variant in disease. Therefore, it has been classified as a Variant of Uncertain Significance.